The following is an entry in ClinVar:

ClinVar aggregate classification (germline): Uncertain significance (1 of 4 stars; one submission).

Allele frequency attached by ClinVar (database versions not stated): gnomAD exomes below 0.00001.
gnomAD v4.1: 3 of 1,613,512 alleles (0.00019%); highest among the groups gnomAD compares: Non-Finnish European, 0.00025%; no homozygotes.

Submission:

Labcorp Genetics (formerly Invitae), Labcorp
Classification: Uncertain significance. Last evaluated: 2023-03-12. Review status: criteria provided, single submitter. Criteria: Invitae Variant Classification Sherloc (09022015). Collection method: clinical testing. Allele origin: germline.
Comment: This sequence change replaces serine, which is neutral and polar, with asparagine, which is neutral and polar, at codon 1129 of the SCN3A protein (p.Ser1129Asn). This variant is not present in population databases (gnomAD no frequency). This variant has not been reported in the literature in individuals affected with SCN3A-related conditions. Advanced modeling of protein sequence and biophysical properties (such as structural, functional, and spatial information, amino acid conservation, physicochemical variation, residue mobility, and thermodynamic stability) performed at Invitae indicates that this missense variant is not expected to disrupt SCN3A protein function. In summary, the available evidence is currently insufficient to determine the role of this variant in disease. Therefore, it has been classified as a Variant of Uncertain Significance.

NM_006922.4(SCN3A):c.3386G>A (p.Ser1129Asn)

Gene: SCN3A (sodium voltage-gated channel alpha subunit 3; minus strand). Cytogenetic location: 2q24.3.
Variant type: single nucleotide variant.
Coding change: c.3386G>A on transcript NM_006922.4 (MANE Select); coding-DNA position 3386, G replaced by A.
Protein change: p.Ser1129Asn; replaces serine 1129 with asparagine.
Molecular consequence: missense variant.
Genome position (GRCh38, 1-based): chr2:165,127,638, C>T on the plus strand (G>A on the coding strand, the complement: SCN3A is on the minus strand). VCF-style: chr2-165127638-C-T. GRCh37 (hg19) VCF-style: chr2-165984148-C-T.
Other names: c.3239G>A, p.Ser1080Asn (NM_001081676.2, NM_001081677.2); short protein forms S1129N, S1080N.
Identifiers: ClinVar variation 2812041 (VCV002812041.3), dbSNP rs2468232249, ClinGen allele CA349039721.